The following is an entry in ClinVar:

NM_001384732.1(CPLANE1):c.82-14G>A

Gene: CPLANE1 (ciliogenesis and planar polarity effector complex subunit 1; minus strand). Cytogenetic location: 5p13.2.
Variant type: single nucleotide variant.
Coding change: c.82-14G>A on transcript NM_001384732.1 (MANE Select); 14 bases into the intron before coding-DNA position 82, G replaced by A.
Molecular consequence: intron variant.
Genome position (GRCh38, 1-based): chr5:37,245,859, C>T on the plus strand (G>A on the coding strand, the complement: CPLANE1 is on the minus strand). VCF-style: chr5-37245859-C-T. GRCh37 (hg19) VCF-style: chr5-37245961-C-T.
Other names: c.82-14G>A (NM_023073.4).
Identifiers: ClinVar variation 904702 (VCV000904702.14), dbSNP rs180804052, ClinGen allele CA3239211.

ClinVar aggregate classification (germline): Benign/Likely benign. Review status: criteria provided, multiple submitters, no conflicts (2 of 4 stars). 4 submissions from 4 submitters: Benign (1); Likely benign (3). Last evaluated 2026-01-26.

Conditions:
Joubert syndrome 17 (JBTS17). Identifiers: Orphanet 475, MedGen C3553264, MONDO:0013824, OMIM 614615.
Orofaciodigital syndrome type 6 (OFD6). Also called: OROFACIODIGITAL SYNDROME VI; OFDS VI; POLYDACTYLY, CLEFT LIP/PALATE OR LINGUAL LUMP, AND PSYCHOMOTOR RETARDATION; VARADI SYNDROME; VARADI-PAPP SYNDROME; Oral-facial-digital syndrome type 6. Identifiers: Orphanet 2754, MedGen C2745997, MONDO:0010176, OMIM 277170.

Allele frequency attached by ClinVar (database versions not stated): gnomAD 0.00019 and 0.00021; ExAC 0.00024; TOPMed 0.00037; gnomAD exomes 0.00067; 1000 Genomes Project 0.00120; 1000 Genomes Project 30x 0.00141.
gnomAD v4.1: 229 of 1,505,202 alleles (0.015%); highest among the groups gnomAD compares: East Asian, 0.53%; 1 homozygote.

Submissions (4):

Labcorp Genetics (formerly Invitae), Labcorp
Classification: Benign. Last evaluated: 2026-01-26. Review status: criteria provided, single submitter. Criteria: Invitae Variant Classification Sherloc (09022015). Collection method: clinical testing. Allele origin: germline.

Blueprint Genetics
Classification: Likely benign. Last evaluated: 2024-10-30. Review status: criteria provided, single submitter. Criteria: ACMG Guidelines, 2015. Collection method: clinical testing. Allele origin: germline.

Fulgent Genetics
Classification: Likely benign for Orofaciodigital syndrome type 6; Joubert syndrome 17. Last evaluated: 2021-10-15. Review status: criteria provided, single submitter. Criteria: ACMG Guidelines, 2015. Collection method: clinical testing. Allele origin: unknown.

Illumina Laboratory Services, Illumina
Classification: Likely benign for Joubert syndrome 17. Last evaluated: 2018-01-13. Review status: criteria provided, single submitter. Criteria: ICSL Variant Classification Criteria 13 December 2019. Collection method: clinical testing. Allele origin: germline.
Comment: This variant was observed in the ICSL laboratory as part of a predisposition screen in an ostensibly healthy population. It had not been previously curated by ICSL or reported in the Human Gene Mutation Database (HGMD: prior to June 1st, 2018), and was therefore a candidate for classification through an automated scoring system. Utilizing variant allele frequency, disease prevalence and penetrance estimates, and inheritance mode, an automated score was calculated to assess if this variant is too frequent to cause the disease. Based on the score and internal cut-off values, a variant classified as likely benign is not then subjected to further curation. The score for this variant resulted in a classification of likely benign for this disease.